The following is an entry in ClinVar:

NM_031427.4(DNAL1):c.42+9A>G

Gene: DNAL1 (dynein axonemal light chain 1; plus strand). Cytogenetic location: 14q24.3.
Variant type: single nucleotide variant.
Coding change: c.42+9A>G on transcript NM_031427.4 (MANE Select); 9 bases into the intron after coding-DNA position 42, A replaced by G.
Molecular consequence: intron variant.
Genome position (GRCh38, 1-based): chr14:73,654,894, A>G. VCF-style: chr14-73654894-A-G. GRCh37 (hg19) VCF-style: chr14-74121597-A-G.
Other names: c.-76+9A>G (NM_001201366.2).
Identifiers: ClinVar variation 314015 (VCV000314015.12), dbSNP rs751332640, ClinGen allele CA7261400.
Genomic context (GRCh38, chr14:73,654,894, plus strand): 5'-TTTTTTTTTAAAGGCGAAAGCAACAACAATCAAAGAAGCCTTAGCGAGATGGGTGAGTAC[A>G]TGAGTTTTTCCTTCTTTTAGAAACTGTACAAGGAAAAATTTTGGATAGTTATTCAAATCT-3'

ClinVar aggregate classification (germline): Benign. Review status: criteria provided, single submitter (1 of 4 stars). 2 submissions from 2 submitters: Benign (1). 1 of the submissions does not count toward it. Last evaluated 2025-07-29.

Conditions:
Primary ciliary dyskinesia 16. Also called: CILIARY DYSKINESIA, PRIMARY, 16, WITH OR WITHOUT SITUS INVERSUS. Identifiers: Orphanet 244, MedGen C3151460, MONDO:0013525, OMIM 614017.
DNAL1-related disorder. Also called: DNAL1-related condition.

Allele frequency attached by ClinVar (database versions not stated): gnomAD 0.00008 and 0.00010; ExAC 0.00014; TOPMed 0.00024; gnomAD exomes 0.00036.
gnomAD v4.1: 130 of 1,542,926 alleles (0.0084%); highest among the groups gnomAD compares: East Asian, 0.23%; no homozygotes.

Submissions (2):

Labcorp Genetics (formerly Invitae), Labcorp
Classification: Benign for Primary ciliary dyskinesia 16. Last evaluated: 2025-07-29. Review status: criteria provided, single submitter. Criteria: Invitae Variant Classification Sherloc (09022015). Collection method: clinical testing. Allele origin: germline.

PreventionGenetics, part of Exact Sciences
Classification: Likely benign for DNAL1-related condition. Last evaluated: 2022-02-09. Review status: no assertion criteria provided. Collection method: clinical testing. Allele origin: germline. Not counted in ClinVar's aggregate classification.
Comment: This variant is classified as likely benign based on ACMG/AMP sequence variant interpretation guidelines (Richards et al. 2015 PMID: 25741868, with internal and published modifications).